The following is an entry in ClinVar:

NM_001142864.4(PIEZO1):c.6132G>A (p.Trp2044Ter)

Gene: PIEZO1 (piezo type mechanosensitive ion channel component 1 (Er blood group); minus strand). Cytogenetic location: 16q24.3.
Variant type: single nucleotide variant.
Coding change: c.6132G>A on transcript NM_001142864.4 (MANE Select); coding-DNA position 6132, G replaced by A.
Protein change: p.Trp2044Ter; replaces tryptophan 2044 with a stop codon.
Molecular consequence: nonsense.
Genome position (GRCh38, 1-based): chr16:88,720,101, C>T on the plus strand (G>A on the coding strand, the complement: PIEZO1 is on the minus strand). VCF-style: chr16-88720101-C-T. GRCh37 (hg19) VCF-style: chr16-88786509-C-T.
Other names: p.Trp2044*; c.4674G>A, p.Trp1558Ter (NM_014745.1); short protein forms W1558*, W2044*.
Identifiers: ClinVar variation 1705963 (VCV001705963.4), dbSNP rs2507842652, ClinGen allele CA397085369.
Genomic context (GRCh38, chr16:88,720,101, plus strand): 5'-GACCGAGCGCCCCCACGCGTGGGCCCACCTCTCAGTGACGGCGGGCAGGATGAAGAACAT[C>T]CATAGGTGGATGGCCAGCACCAGCGCCACCTGGAAGGCCAGCTTGCCCAGCACGGTCTTG-3'

ClinVar aggregate classification (germline): Likely pathogenic (1 of 4 stars; one submission).

Submission:

Mayo Clinic Laboratories, Mayo Clinic
Classification: Likely pathogenic. Last evaluated: 2021-12-27. Review status: criteria provided, single submitter. Criteria: ACMG Guidelines, 2015. Collection method: clinical testing. Allele origin: germline.
Comment: PM2, PVS1

Literature cited by the submitters: PubMed 30192042; PubMed 26333996; PubMed 33227434.